The following is an entry in ClinVar:

NM_003482.4(KMT2D):c.10394del (p.Gly3465fs)

Gene: KMT2D (lysine methyltransferase 2D; minus strand). Cytogenetic location: 12q13.12.
Variant type: Deletion.
Coding change: c.10394del on transcript NM_003482.4 (MANE Select); coding-DNA position 10394, one base deleted (G; older notation c.10394delG).
Protein change: p.Gly3465fs; shifts the reading frame from glycine 3465.
Molecular consequence: frameshift variant.
Genome position (GRCh38, 1-based): chr12:49,034,628, C deleted on the plus strand (G on the coding strand, the reverse complement: KMT2D is on the minus strand); the first of 6 consecutive C bases (chr12:49,034,628-49,034,633); deleting any one gives the same sequence. VCF-style (leftmost placement, unchanged base first): chr12-49034627-TC-T. GRCh37 (hg19) VCF-style: chr12-49428410-TC-T.
Other names: Frameshift; c.10394delG (NM_003482.4); short protein forms G3465fs.
Identifiers: ClinVar variation 992642 (VCV000992642.3), dbSNP rs1284500089, ClinGen allele CA2499221705.
Genomic context (GRCh38, chr12:49,034,627, plus strand): 5'-CACCTGACCACTTACCTGGCCACTCCCAGCTGCCACATGGTTCTGCAGATCACTGCTAGG[TC>T]CCCCCGAGAGCCTCTGGGCTAGCAGAGACACTTGCTGTCTGGAGTCCACCAAAGCACAGA-3'

ClinVar aggregate classification (germline): Pathogenic (1 of 4 stars; one submission).

Conditions:
Kabuki syndrome 1 (KABUK1). Also called: KMT2D-Related Kabuki Syndrome. Identifiers: Orphanet 2322, MedGen CN030661, MONDO:0007843, OMIM 147920.

Submission:

Precision Medical Center, Wuhan Children's Hospital
Classification: Pathogenic for Kabuki syndrome 1. Last evaluated: 2020-12-09. Review status: criteria provided, single submitter. Criteria: ACMG Guidelines, 2015. Collection method: clinical testing. Allele origin: de novo. Inheritance: Autosomal dominant inheritance. Affected: yes. Observed: 1 variant allele, 1 heterozygote.
Comment: KMT2D is the pathogenic gene of Kabuki syndrome which is characterized by facial features, various organs malformations, postnatal growth deficiency and intellectual disability. The variant encoded a pre-terminated peptides and was absent in ExAC or gnomAD database, while the variant was confirmed to be a de novo mutation. In summary, the c.10394delG(p.Gly3465Aspfs*37) variant is classified as pathogenic according to the ACMG criteria.